The following is an entry in ClinVar:

NM_000096.4(CP):c.1726A>G (p.Lys576Glu)

Gene: CP (ceruloplasmin; minus strand). Cytogenetic location: 3q24.
Variant type: single nucleotide variant.
Coding change: c.1726A>G on transcript NM_000096.4 (MANE Select); coding-DNA position 1726, A replaced by G.
Protein change: p.Lys576Glu; replaces lysine 576 with glutamic acid.
Molecular consequence: missense variant. On other transcripts: non-coding transcript variant (1).
Genome position (GRCh38, 1-based): chr3:149,188,190, T>C on the plus strand (A>G on the coding strand, the complement: CP is on the minus strand). VCF-style: chr3-149188190-T-C. GRCh37 (hg19) VCF-style: chr3-148905977-T-C.
Other names: c.1726A>G (NM_000096.3); short protein forms K576E.
Identifiers: ClinVar variation 1381810 (VCV001381810.5), dbSNP rs938967361, ClinGen allele CA85536440.

ClinVar aggregate classification (germline): Uncertain significance. Review status: criteria provided, multiple submitters, no conflicts (2 of 4 stars). 2 submissions from 2 submitters: Uncertain significance (2). Last evaluated 2025-08-23.

Conditions:
Inborn genetic diseases. Identifiers: MedGen C0950123, MeSH D030342.
Deficiency of ferroxidase (ACEP). Also called: Ceruloplasmin deficiency; Familial apoceruloplasmin deficiency; Hereditary ceruloplasmin deficiency; NEURODEGENERATION WITH BRAIN IRON ACCUMULATION 10; Aceruloplasminemia; Deficiency of ceruloplasmin. Identifiers: Orphanet 48818, MedGen C0878682, MONDO:0011426, OMIM 604290, HP:0025498.

Allele frequency attached by ClinVar (database versions not stated): gnomAD exomes below 0.00001 and 0.00001; TOPMed below 0.00001; gnomAD 0.00001.
gnomAD v4.1: 7 of 1,611,488 alleles (0.00043%); highest among the groups gnomAD compares: Admixed American, 0.005%; no homozygotes.

Submissions (2):

Ambry Genetics
Classification: Uncertain significance for Inborn genetic diseases. Last evaluated: 2025-08-23. Review status: criteria provided, single submitter. Criteria: Ambry Variant Classification Scheme 2023. Collection method: clinical testing. Allele origin: germline.

Labcorp Genetics (formerly Invitae), Labcorp
Classification: Uncertain significance for Deficiency of ferroxidase. Last evaluated: 2022-10-05. Review status: criteria provided, single submitter. Criteria: Invitae Variant Classification Sherloc (09022015). Collection method: clinical testing. Allele origin: germline.
Comment: This sequence change replaces lysine, which is basic and polar, with glutamic acid, which is acidic and polar, at codon 576 of the CP protein (p.Lys576Glu). This variant is present in population databases (no rsID available, gnomAD 0.003%). This variant has not been reported in the literature in individuals affected with CP-related conditions. ClinVar contains an entry for this variant (Variation ID: 1381810). Advanced modeling of protein sequence and biophysical properties (such as structural, functional, and spatial information, amino acid conservation, physicochemical variation, residue mobility, and thermodynamic stability) performed at Invitae indicates that this missense variant is not expected to disrupt CP protein function. Algorithms developed to predict the effect of sequence changes on RNA splicing suggest that this variant may disrupt the consensus splice site. In summary, the available evidence is currently insufficient to determine the role of this variant in disease. Therefore, it has been classified as a Variant of Uncertain Significance.